The following is an entry in ClinVar:

NM_012106.4(ARL2BP):c.250C>T (p.Arg84Trp)

Gene: ARL2BP (ARF like GTPase 2 binding protein; plus strand). Cytogenetic location: 16q13.
Variant type: single nucleotide variant.
Coding change: c.250C>T on transcript NM_012106.4 (MANE Select); coding-DNA position 250, C replaced by T.
Protein change: p.Arg84Trp; replaces arginine 84 with tryptophan.
Molecular consequence: missense variant.
Genome position (GRCh38, 1-based): chr16:57,249,809, C>T. VCF-style: chr16-57249809-C-T. GRCh37 (hg19) VCF-style: chr16-57283721-C-T.
Other names: c.250C>T (NM_012106.3); short protein forms R84W.
Identifiers: ClinVar variation 1382495 (VCV001382495.9), dbSNP rs150513555, ClinGen allele CA8074901.
Genomic context (GRCh38, chr16:57,249,809, plus strand): 5'-TCCTTTCCACTGTTGCAGATTTCTTTGGTAGAAAAATACATTGAAGAACAGCTGCTGCAG[C>T]GGATTCCTGAGTTCAACATGGCAGCCTTCACCACAACATTACAGTGAGTTGAGCTTGACT-3'
Protein context (NP_036238.1, residues 74-94): EKYIEEQLLQ[Arg84Trp]IPEFNMAAFT

ClinVar aggregate classification (germline): Uncertain significance. Review status: criteria provided, multiple submitters, no conflicts (2 of 4 stars). 4 submissions from 4 submitters: Uncertain significance (3). 1 of the submissions does not count toward it. Last evaluated 2025-04-29.

Conditions:
Inborn genetic diseases. Identifiers: MedGen C0950123, MeSH D030342.
Retinitis pigmentosa with or without situs inversus. Also called: Retinitis pigmentosa 82; Retinitis pigmentosa 82 with or without situs inversus. Identifiers: Orphanet 791, MedGen C4747737, MONDO:0014186, OMIM 615434.
Retinal dystrophy. Also called: Inherited retinal dystrophy. Identifiers: Orphanet 71862, MedGen C0854723, MeSH D058499, MONDO:0019118, HP:0000556.

Allele frequency attached by ClinVar (database versions not stated): gnomAD exomes 0.00003; gnomAD 0.00004 and 0.00006; ExAC 0.00006; TOPMed 0.00009; ESP Exome Variant Server 0.00023.
gnomAD v4.1: 78 of 1,614,094 alleles (0.0048%); highest among the groups gnomAD compares: Middle Eastern, 0.12%; no homozygotes.

Submissions (4):

Ambry Genetics
Classification: Uncertain significance for Inborn genetic diseases. Last evaluated: 2025-04-29. Review status: criteria provided, single submitter. Criteria: Ambry Variant Classification Scheme 2023. Collection method: clinical testing. Allele origin: germline.

Blueprint Genetics
Classification: Uncertain significance. Last evaluated: 2024-11-18. Review status: criteria provided, single submitter. Criteria: ACMG Guidelines, 2015. Collection method: clinical testing. Allele origin: germline.

Labcorp Genetics (formerly Invitae), Labcorp
Classification: Uncertain significance. Last evaluated: 2022-11-22. Review status: criteria provided, single submitter. Criteria: Invitae Variant Classification Sherloc (09022015). Collection method: clinical testing. Allele origin: germline.
Comment: In summary, the available evidence is currently insufficient to determine the role of this variant in disease. Therefore, it has been classified as a Variant of Uncertain Significance. Algorithms developed to predict the effect of missense changes on protein structure and function are either unavailable or do not agree on the potential impact of this missense change (SIFT: "Deleterious"; PolyPhen-2: "Benign"; Align-GVGD: "Class C65"). ClinVar contains an entry for this variant (Variation ID: 1382495). This variant has not been reported in the literature in individuals affected with ARL2BP-related conditions. This variant is present in population databases (rs150513555, gnomAD 0.007%). This sequence change replaces arginine, which is basic and polar, with tryptophan, which is neutral and slightly polar, at codon 84 of the ARL2BP protein (p.Arg84Trp).

Institute of Human Genetics, Univ. Regensburg, Univ. Regensburg
Classification: Uncertain significance for Retinal dystrophy. Last evaluated: 2018-01-01. Review status: no assertion criteria provided. Criteria: ACMG Guidelines, 2015. Collection method: clinical testing. Allele origin: germline. Affected: yes. Not counted in ClinVar's aggregate classification.